The following is an entry in ClinVar:

ClinVar aggregate classification (germline): Uncertain significance (1 of 4 stars; one submission).

Allele frequency attached by ClinVar (database versions not stated): gnomAD 0.00001.

Submission:

Labcorp Genetics (formerly Invitae), Labcorp
Classification: Uncertain significance. Last evaluated: 2022-11-01. Review status: criteria provided, single submitter. Criteria: Invitae Variant Classification Sherloc (09022015). Collection method: clinical testing. Allele origin: germline.
Comment: In summary, the available evidence is currently insufficient to determine the role of this variant in disease. Therefore, it has been classified as a Variant of Uncertain Significance. Algorithms developed to predict the effect of sequence changes on RNA splicing suggest that this variant may disrupt the consensus splice site. ClinVar contains an entry for this variant (Variation ID: 842067). This variant has not been reported in the literature in individuals affected with SAMD11-related conditions. This variant is not present in population databases (gnomAD no frequency). This sequence change affects a donor splice site in intron 8 of the SAMD11 gene. It is expected to disrupt RNA splicing. Variants that disrupt the donor or acceptor splice site typically lead to a loss of protein function (PMID: 16199547), however the current clinical and genetic evidence is not sufficient to establish whether loss-of-function variants in SAMD11 cause disease.

Literature cited by the submitters: PubMed 16199547.

NM_001385641.1(SAMD11):c.1358+1G>A

Gene: SAMD11 (sterile alpha motif domain containing 11; plus strand). Cytogenetic location: 1p36.33.
Variant type: single nucleotide variant.
Coding change: c.1358+1G>A on transcript NM_001385641.1 (MANE Select); the canonical splice donor site of the intron after coding-DNA position 1358, G replaced by A.
Molecular consequence: splice donor variant.
Genome position (GRCh38, 1-based): chr1:941,307, G>A. VCF-style: chr1-941307-G-A. GRCh37 (hg19) VCF-style: chr1-876687-G-A.
Other names: c.1361+1G>A (NM_001385640.1); c.869+1G>A (NM_152486.4).
Identifiers: ClinVar variation 842067 (VCV000842067.10), dbSNP rs1641752253, ClinGen allele CA337804206.
Genomic context (GRCh38, chr1:941,307, plus strand): 5'-GGGCCTGGCTCAGCACCGGGAGGGCGCCGCCCCAGCTGCCGCCCCGTCCTTCTCGGAGAG[G>A]TACTGGGGTGGCTGCCGTTCTCTGCTTGTTTCTGGGGTGCCGCCCGCACCCCCGCGCTCT-3'